The following is an entry in ClinVar:

ClinVar aggregate classification (germline): Conflicting classifications of pathogenicity. Review status: criteria provided, conflicting classifications (1 of 4 stars). 3 submissions from 3 submitters: Uncertain significance (2); Likely benign (1). Last evaluated 2024-05-24.

Conditions:
Hereditary cancer-predisposing syndrome. Also called: Hereditary Cancer Syndrome; Hereditary neoplastic syndrome; Neoplastic Syndromes, Hereditary; Tumor predisposition. Identifiers: Orphanet 140162, MedGen C0027672, MeSH D009386, MONDO:0015356.

Submissions (3):

Women's Health and Genetics/Laboratory Corporation of America, LabCorp
Classification: Uncertain significance. Last evaluated: 2024-05-24. Review status: criteria provided, single submitter. Criteria: LabCorp Variant Classification Summary - May 2015. Collection method: clinical testing. Allele origin: germline.
Comment: Variant summary: BRCA2 c.4766C>A (p.Pro1589Gln) results in a non-conservative amino acid change in the encoded protein sequence. Four of five in-silico tools predict a benign effect of the variant on protein function. The variant was absent in 250734 control chromosomes. The available data on variant occurrences in the general population are insufficient to allow any conclusion about variant significance. To our knowledge, no occurrence of c.4766C>A in individuals affected with Hereditary Breast And Ovarian Cancer Syndrome and no experimental evidence demonstrating its impact on protein function have been reported. ClinVar contains an entry for this variant (Variation ID: 1692115). Based on the evidence outlined above, the variant was classified as uncertain significance.

University of Washington Department of Laboratory Medicine, University of Washington
Classification: Likely benign for Hereditary cancer-predisposing syndrome. Last evaluated: 2023-03-23. Review status: criteria provided, single submitter. Criteria: Dines et al. (Genet Med. 2020). Collection method: curation. Allele origin: germline.
Comment: Missense variant in a coldspot region where missense variants are very unlikely to be pathogenic (PMID:31911673).

BRCA2 exon 11 coldspot. Reclassification based on statistical prior probability.

Sema4
Classification: Uncertain significance for Hereditary cancer-predisposing syndrome. Last evaluated: 2022-02-19. Review status: criteria provided, single submitter. Criteria: Sema4 Curation Guidelines. Collection method: curation. Allele origin: germline.
Comment: The BRCA2 c.4766C>A (p.P1589Q) variant has not been reported in the literature to our knowledge. This variant is not reported in the population database Genome Aggregation Database (PMID: 32461654). The variant has not been reported in ClinVar. Functional studies have not been performed, and in silico predictions of the variant's effect on protein function are inconclusive. The evidence is insufficient to meet ACMG/AMP criteria for classifying the variant as benign or pathogenic. Thus, the clinical significance of this variant is currently uncertain.

NM_000059.4(BRCA2):c.4766C>A (p.Pro1589Gln)

Gene: BRCA2 (BRCA2 DNA repair associated; plus strand). Cytogenetic location: 13q13.1.
Variant type: single nucleotide variant.
Coding change: c.4766C>A on transcript NM_000059.4 (MANE Select); coding-DNA position 4766, C replaced by A.
Protein change: p.Pro1589Gln; replaces proline 1589 with glutamine.
Molecular consequence: missense variant.
Genome position (GRCh38, 1-based): chr13:32,339,121, C>A. VCF-style: chr13-32339121-C-A. GRCh37 (hg19) VCF-style: chr13-32913258-C-A.
Other names: short protein forms P1589Q.
Identifiers: ClinVar variation 1692115 (VCV001692115.4), dbSNP rs2137509982, ClinGen allele CA387783146.
Genomic context (GRCh38, chr13:32,339,121, plus strand): 5'-ACAGAGAGGCCTGTAAAGACCTTGAATTAGCATGTGAGACCATTGAGATCACAGCTGCCC[C>A]AAAGTGTAAAGAAATGCAGAATTCTCTCAATAATGATAAAAACCTTGTTTCTATTGAGAC-3'
Protein context (NP_000050.3, residues 1579-1599): ACETIEITAA[Pro1589Gln]KCKEMQNSLN